The following is an entry in ClinVar:

NM_000540.3(RYR1):c.7835+7C>T

Gene: RYR1 (ryanodine receptor 1; plus strand). Cytogenetic location: 19q13.2.
Variant type: single nucleotide variant.
Coding change: c.7835+7C>T on transcript NM_000540.3 (MANE Select); 7 bases into the intron after coding-DNA position 7835, C replaced by T.
Molecular consequence: intron variant.
Genome position (GRCh38, 1-based): chr19:38,502,734, C>T. VCF-style: chr19-38502734-C-T. GRCh37 (hg19) VCF-style: chr19-38993374-C-T.
Other names: p.?; c.7835+7C>T (NM_001042723.2).
Identifiers: ClinVar variation 93293 (VCV000093293.27), dbSNP rs114522234, ClinGen allele CA024857.

ClinVar aggregate classification (germline): Benign/Likely benign. Review status: criteria provided, multiple submitters, no conflicts (2 of 4 stars). 11 submissions from 9 submitters: Benign (10); Likely benign (1). Last evaluated 2026-02-04.

Conditions:
RYR1-related disorder. Also called: RYR1-related condition; RYR1-related disorders. Identifiers: MedGen CN239331.
Central core myopathy (CMYO1A). Also called: CONGENITAL MYOPATHY 1A, AUTOSOMAL DOMINANT, WITH SUSCEPTIBILITY TO MALIGNANT HYPERTHERMIA; Central core disease; Myopathy, central fibrillar. Identifiers: Orphanet 597, MedGen C5830701, MONDO:0007294, OMIM 117000.
Congenital multicore myopathy with external ophthalmoplegia (CMYO1B). Also called: Congenital myopathy 1B, autosomal recessive; Minicore myopathy; Minicore myopathy with external ophthalmoplegia; MULTIMINICORE DISEASE WITH EXTERNAL OPHTHALMOPLEGIA; MULTICORE MYOPATHY. Identifiers: Orphanet 598, Orphanet 98905, MedGen C1850674, MONDO:0009712, OMIM 255320, HP:0003789.
Malignant hyperthermia, susceptibility to, 1 (MHS1). Also called: RYR1-Related Malignant Hyperthermia Susceptibility; Malignant hyperthermia suceptibility 1; Anesthesia related hyperthermia; Malignant hyperpyrexia; Fulminating hyperpyrexia; Pharmacogenic myopathy. Identifiers: Orphanet 423, MedGen C2930980, MONDO:0007783, OMIM 145600.

Allele frequency attached by ClinVar (database versions not stated): ESP Exome Variant Server 0.01208; gnomAD 0.01374; 1000 Genomes Project 30x 0.01640; 1000 Genomes Project 0.01657.
gnomAD v4.1: 3,149 of 1,264,686 alleles (0.25%); highest among the groups gnomAD compares: African/African-American, 4.9%; 83 homozygotes.

Submissions (11):

Labcorp Genetics (formerly Invitae), Labcorp
Classification: Benign for RYR1-related disorder. Last evaluated: 2026-02-04. Review status: criteria provided, single submitter. Criteria: Invitae Variant Classification Sherloc (09022015). Collection method: clinical testing. Allele origin: germline.

Color Diagnostics, LLC DBA Color Health
Classification: Benign for Malignant hyperthermia, susceptibility to, 1. Last evaluated: 2025-10-07. Review status: criteria provided, single submitter. Criteria: ACMG Guidelines, 2015. Collection method: clinical testing. Allele origin: germline.

Mayo Clinic Laboratories, Mayo Clinic
Classification: Benign. Last evaluated: 2019-04-24. Review status: criteria provided, single submitter. Criteria: ACMG Guidelines, 2015. Collection method: clinical testing. Allele origin: germline. Observed: 8 variant alleles.

PreventionGenetics, part of Exact Sciences
Classification: Benign. Last evaluated: 2018-03-26. Review status: criteria provided, single submitter. Criteria: ACMG Guidelines, 2015. Collection method: clinical testing. Allele origin: germline.

Illumina Laboratory Services, Illumina
Classification: Benign for Congenital multicore myopathy with external ophthalmoplegia. Last evaluated: 2018-01-13. Review status: criteria provided, single submitter. Criteria: ICSL Variant Classification Criteria 13 December 2019. Collection method: clinical testing. Allele origin: germline.
Comment: This variant was observed in the ICSL laboratory as part of a predisposition screen in an ostensibly healthy population. It had not been previously curated by ICSL or reported in the Human Gene Mutation Database (HGMD: prior to June 1st, 2018), and was therefore a candidate for classification through an automated scoring system. Utilizing variant allele frequency, disease prevalence and penetrance estimates, and inheritance mode, an automated score was calculated to assess if this variant is too frequent to cause the disease. Based on the score and internal cut-off values, a variant classified as benign is not then subjected to further curation. The score for this variant resulted in a classification of benign for this disease.

Illumina Laboratory Services, Illumina
Classification: Benign for Malignant hyperthermia, susceptibility to, 1. Last evaluated: 2018-01-13. Review status: criteria provided, single submitter. Criteria: ICSL Variant Classification Criteria 13 December 2019. Collection method: clinical testing. Allele origin: germline.
Comment: the same text as in the submission from Illumina Laboratory Services, Illumina above.

Illumina Laboratory Services, Illumina
Classification: Benign for Central core myopathy. Last evaluated: 2018-01-13. Review status: criteria provided, single submitter. Criteria: ICSL Variant Classification Criteria 13 December 2019. Collection method: clinical testing. Allele origin: germline.
Comment: the same text as in the submission from Illumina Laboratory Services, Illumina above.

GeneDx
Classification: Benign. Last evaluated: 2016-07-27. Review status: criteria provided, single submitter. Criteria: GeneDx Variant Classification (06012015). Collection method: clinical testing. Allele origin: germline. Affected: yes.
Comment: This variant is considered likely benign or benign based on one or more of the following criteria: it is a conservative change, it occurs at a poorly conserved position in the protein, it is predicted to be benign by multiple in silico algorithms, and/or has population frequency not consistent with disease.

Eurofins Ntd Llc (ga)
Classification: Benign. Last evaluated: 2013-08-09. Review status: criteria provided, single submitter. Criteria: EGL Classification Definitions 2015. Collection method: clinical testing. Allele origin: germline. Observed: 1 variant allele, 1 heterozygote.

Genetic Services Laboratory, University of Chicago
Classification: Benign. Last evaluated: 2013-02-08. Review status: criteria provided, single submitter. Criteria: ACMG Guidelines, 2007. Collection method: clinical testing. Allele origin: germline. Inheritance: Autosomal unknown.

Breakthrough Genomics
Classification: Likely benign. Review status: criteria provided, single submitter. Criteria: ACMG Guidelines, 2015. Collection method: not provided. Allele origin: germline. Inheritance: Autosomal recessive inheritance. Affected: yes.